The following is an entry in ClinVar:

ClinVar aggregate classification (germline): Uncertain significance (1 of 4 stars; one submission).

gnomAD v4.1: 3 of 1,612,422 alleles (0.00019%); highest among the groups gnomAD compares: Non-Finnish European, 0.00025%; no homozygotes.

Submission:

GeneDx
Classification: Uncertain significance. Last evaluated: 2023-12-09. Review status: criteria provided, single submitter. Criteria: GeneDx Variant Classification Process June 2021. Collection method: clinical testing. Allele origin: germline. Affected: yes.
Comment: Not observed at significant frequency in large population cohorts (gnomAD); In silico analysis supports that this missense variant has a deleterious effect on protein structure/function; Has not been previously published as pathogenic or benign to our knowledge

NM_001875.5(CPS1):c.1990G>T (p.Val664Phe)

Gene: CPS1 (carbamoyl-phosphate synthase 1; plus strand). Cytogenetic location: 2q34.
Variant type: single nucleotide variant.
Coding change: c.1990G>T on transcript NM_001875.5 (MANE Select); coding-DNA position 1990, G replaced by T.
Protein change: p.Val664Phe; replaces valine 664 with phenylalanine.
Molecular consequence: missense variant. On other transcripts: non-coding transcript variant (2).
Genome position (GRCh38, 1-based): chr2:210,606,739, G>T. VCF-style: chr2-210606739-G-T. GRCh37 (hg19) VCF-style: chr2-211471463-G-T.
Other names: c.1990G>T, p.Val664Phe (NM_001122633.3, NM_001369257.1); c.2023G>T, p.Val675Phe (NM_001369256.1); short protein forms V664F, V675F.
Identifiers: ClinVar variation 3252197 (VCV003252197.1), dbSNP rs747550859.